The following is an entry in ClinVar:

NM_020312.4(COQ9):c.548G>T (p.Arg183Met)

Gene: COQ9 (coenzyme Q9; plus strand). Cytogenetic location: 16q21.
Variant type: single nucleotide variant.
Coding change: c.548G>T on transcript NM_020312.4 (MANE Select); coding-DNA position 548, G replaced by T.
Protein change: p.Arg183Met; replaces arginine 183 with methionine.
Molecular consequence: missense variant.
Genome position (GRCh38, 1-based): chr16:57,456,957, G>T. VCF-style: chr16-57456957-G-T. GRCh37 (hg19) VCF-style: chr16-57490869-G-T.
Other names: short protein forms R183M.
Identifiers: ClinVar variation 4537659 (VCV004537659.1).

ClinVar aggregate classification (germline): Uncertain significance (1 of 4 stars; one submission).

Submission:

GeneDx
Classification: Uncertain significance. Last evaluated: 2025-06-13. Review status: criteria provided, single submitter. Criteria: GeneDx Variant Classification Process June 2021. Collection method: clinical testing. Allele origin: germline. Affected: yes.
Comment: Has not been previously published as pathogenic or benign to our knowledge; Not observed at significant frequency in large population cohorts (gnomAD); In silico analysis supports that this missense variant has a deleterious effect on protein structure/function